The following is an entry in ClinVar:

NM_001110556.2(FLNA):c.2788G>A (p.Asp930Asn)

Gene: FLNA (filamin A; minus strand). Cytogenetic location: Xq28.
Variant type: single nucleotide variant.
Coding change: c.2788G>A on transcript NM_001110556.2 (MANE Select); coding-DNA position 2788, G replaced by A.
Protein change: p.Asp930Asn; replaces aspartic acid 930 with asparagine.
Molecular consequence: missense variant.
Genome position (GRCh38, 1-based): chrX:154,362,017, C>T on the plus strand (G>A on the coding strand, the complement: FLNA is on the minus strand). VCF-style: chrX-154362017-C-T. GRCh37 (hg19) VCF-style: chrX-153590385-C-T.
Other names: c.2788G>A (NM_001456.3, NM_001110556.1); c.2788G>A, p.Asp930Asn (NM_001456.4); short protein forms D930N.
Identifiers: ClinVar variation 2082024 (VCV002082024.10), dbSNP rs2067715380, ClinGen allele CA415232530.

ClinVar aggregate classification (germline): Uncertain significance. Review status: criteria provided, multiple submitters, no conflicts (2 of 4 stars). 5 submissions from 5 submitters: Uncertain significance (5). Last evaluated 2026-06-24.

Conditions:
Oto-palato-digital syndrome, type II (OPD2). Also called: FACIOPALATOOSSEOUS SYNDROME; Otopalatodigital Syndrome, Type II; OPD II SYNDROME; Otopalatodigital Syndrome Type 2 (FLNA-OPD2). Identifiers: Orphanet 669, Orphanet 90652, MedGen C1844696, MONDO:0010571, OMIM 304120.
Heterotopia, periventricular, X-linked dominant (PVNH1). Also called: X-linked periventricular heterotopia; PERIVENTRICULAR NODULAR HETEROTOPIA 4; HETEROTOPIA, PERIVENTRICULAR, 1; PERIVENTRICULAR NODULAR HETEROTOPIA 1. Identifiers: Orphanet 2149, Orphanet 82004, MedGen C1848213, MONDO:0010233, OMIM 300049.
Melnick-Needles syndrome (MNS). Also called: MELNICK-NEEDLES OSTEODYSPLASTY; OSTEODYSPLASTY OF MELNICK AND NEEDLES; Melnick-Needles Syndrome (FLNA-MNS). Identifiers: Orphanet 2484, MedGen C0025237, MONDO:0010650, OMIM 309350.
Frontometaphyseal dysplasia (FMD1). Identifiers: Orphanet 1826, MedGen C0265293, MONDO:0015942.
FLNA-related disorder.

Allele frequency attached by ClinVar (database versions not stated): gnomAD exomes 0.00001; TOPMed 0.00001.
gnomAD v4.1: 7 of 1,209,891 alleles (0.00058%); highest among the groups gnomAD compares: Non-Finnish European, 0.00078%; no homozygotes.

Submissions (5):

PreventionGenetics, part of Exact Sciences
Classification: Uncertain significance for FLNA-related condition. Last evaluated: 2026-06-24. Review status: criteria provided, single submitter. Criteria: ACMG Guidelines, 2015. Collection method: clinical testing. Allele origin: germline.
Comment: The FLNA c.2788G>A variant is predicted to result in the amino acid substitution p.Asp930Asn. To our knowledge, this variant has not been reported in the literature or in a large population database (gnomAD), indicating this variant is rare. At this time, the clinical significance of this variant is uncertain due to the absence of conclusive functional and genetic evidence.

Labcorp Genetics (formerly Invitae), Labcorp
Classification: Uncertain significance for Oto-palato-digital syndrome, type II; Heterotopia, periventricular, X-linked dominant; Frontometaphyseal dysplasia; Melnick-Needles syndrome. Last evaluated: 2025-11-05. Review status: criteria provided, single submitter. Criteria: Invitae Variant Classification Sherloc (09022015). Collection method: clinical testing. Allele origin: germline.
Comment: This sequence change replaces aspartic acid, which is acidic and polar, with asparagine, which is neutral and polar, at codon 930 of the FLNA protein (p.Asp930Asn). This variant is not present in population databases (gnomAD no frequency). This variant has not been reported in the literature in individuals affected with FLNA-related conditions. ClinVar contains an entry for this variant (Variation ID: 2082024). Invitae Evidence Modeling of protein sequence and biophysical properties (such as structural, functional, and spatial information, amino acid conservation, physicochemical variation, residue mobility, and thermodynamic stability) indicates that this missense variant is not expected to disrupt FLNA protein function with a negative predictive value of 95%. In summary, the available evidence is currently insufficient to determine the role of this variant in disease. Therefore, it has been classified as a Variant of Uncertain Significance.

GeneDx
Classification: Uncertain significance. Last evaluated: 2024-05-10. Review status: criteria provided, single submitter. Criteria: GeneDx Variant Classification Process June 2021. Collection method: clinical testing. Allele origin: germline. Affected: yes.
Comment: In silico analysis supports that this missense variant has a deleterious effect on protein structure/function; Has not been previously published as pathogenic or benign to our knowledge

Women's Health and Genetics/Laboratory Corporation of America, LabCorp
Classification: Uncertain significance. Last evaluated: 2023-07-30. Review status: criteria provided, single submitter. Criteria: LabCorp Variant Classification Summary - May 2015. Collection method: clinical testing. Allele origin: germline.

ARUP Laboratories, Molecular Genetics and Genomics, ARUP Laboratories
Classification: Uncertain significance. Last evaluated: 2022-06-22. Review status: criteria provided, single submitter. Criteria: ARUP Molecular Germline Variant Investigation Process 2021. Collection method: clinical testing. Allele origin: germline.
Comment: The FLNA c.2788G>A; p.Asp930Asn variant (rs2067715380), to our knowledge, is not reported in the medical literature or gene specific databases. This variant is absent from the Genome Aggregation Database, indicating it is not a common polymorphism. The aspartate at codon 930 is highly conserved, but computational analyses are uncertain whether this variant is neutral or deleterious (REVEL: 0.7). Due to limited information, the clinical significance of this variant is uncertain at this time.